The following is an entry in ClinVar:

NM_005428.4(VAV1):c.1745G>A (p.Arg582His)

Gene: VAV1 (vav guanine nucleotide exchange factor 1; plus strand). Cytogenetic location: 19p13.3.
Variant type: single nucleotide variant.
Coding change: c.1745G>A on transcript NM_005428.4 (MANE Select); coding-DNA position 1745, G replaced by A.
Protein change: p.Arg582His; replaces arginine 582 with histidine.
Molecular consequence: missense variant.
Genome position (GRCh38, 1-based): chr19:6,833,921, G>A. VCF-style: chr19-6833921-G-A. GRCh37 (hg19) VCF-style: chr19-6833932-G-A.
Other names: c.1745G>A, p.Arg582His (NM_001258206.2); c.1649G>A, p.Arg550His (NM_001258207.2); short protein forms R582H, R550H.
Identifiers: ClinVar variation 3674293 (VCV003674293.2).
Genomic context (GRCh38, chr19:6,833,921, plus strand): 5'-CCCAGGCTGGGCATAGGTAGACAGGCTTTCTTTGTTTCTCCTTCCAGGACAAACTACATC[G>A]CAGGGCTCAGGACAAAAAGAGGAATGAGCTGGGTGAGTTGGCAGGGGTTGCTGTGTGGGG-3'
Protein context (NP_005419.2, residues 572-592): PGTMKKDKLH[Arg582His]RAQDKKRNEL

ClinVar aggregate classification (germline): Uncertain significance (1 of 4 stars; one submission).

gnomAD v4.1: 13 of 1,614,016 alleles (0.00081%); highest among the groups gnomAD compares: Middle Eastern, 0.017%; no homozygotes.

Submission:

Labcorp Genetics (formerly Invitae), Labcorp
Classification: Uncertain significance. Last evaluated: 2025-12-09. Review status: criteria provided, single submitter. Criteria: Invitae Variant Classification Sherloc (09022015). Collection method: clinical testing. Allele origin: germline.
Comment: This sequence change replaces arginine, which is basic and polar, with histidine, which is basic and polar, at codon 582 of the VAV1 protein (p.Arg582His). The frequency data for this variant in the population databases is considered unreliable, as metrics indicate poor data quality at this position in the gnomAD database. This variant has not been reported in the literature in individuals affected with VAV1-related conditions. ClinVar contains an entry for this variant (Variation ID: 3674293). An algorithm developed to predict the effect of missense changes on protein structure and function (PolyPhen-2) suggests that this variant is likely to be tolerated. In summary, the available evidence is currently insufficient to determine the role of this variant in disease. Therefore, it has been classified as a Variant of Uncertain Significance.